The following is an entry in ClinVar:

ClinVar aggregate classification (germline): Uncertain significance (1 of 4 stars; one submission).

Submission:

Greenwood Genetic Center Diagnostic Laboratories, Greenwood Genetic Center
Classification: Uncertain significance. Last evaluated: 2022-05-27. Review status: criteria provided, single submitter. Criteria: ACMG Guidelines, 2015. Collection method: clinical testing. Allele origin: germline. Affected: yes.
Comment: PM2, PP2, PP3

NM_001375524.1(TRRAP):c.3464A>C (p.Tyr1155Ser)

Gene: TRRAP (transformation/transcription domain associated protein; plus strand). Cytogenetic location: 7q22.1.
Variant type: single nucleotide variant.
Coding change: c.3464A>C on transcript NM_001375524.1 (MANE Select); coding-DNA position 3464, A replaced by C.
Protein change: p.Tyr1155Ser; replaces tyrosine 1155 with serine.
Molecular consequence: missense variant.
Genome position (GRCh38, 1-based): chr7:98,930,703, A>C. VCF-style: chr7-98930703-A-C. GRCh37 (hg19) VCF-style: chr7-98528326-A-C.
Other names: c.3464A>C, p.Tyr1155Ser (NM_001244580.2, NM_003496.4); short protein forms Y1155S.
Identifiers: ClinVar variation 1703075 (VCV001703075.3), dbSNP rs2484779658, ClinGen allele CA368299815.
Genomic context (GRCh38, chr7:98,930,703, plus strand): 5'-TGCCCCTGTTTTCTTACATCGTGGAGCGCCTGTGTGCATGTTGTTATGAACAGGCGTGGT[A>C]TGCAAAGCTGGGGGGTGTGGTGTCTATTAAGTTTCTCATGGAGCGGCTGCCTCTCACTTG-3'
Protein context (NP_001362453.1, residues 1145-1165): LCACCYEQAW[Tyr1155Ser]AKLGGVVSIK